The following is an entry in ClinVar:

ClinVar aggregate classification (germline): Pathogenic/Likely pathogenic. Review status: criteria provided, multiple submitters, no conflicts (2 of 4 stars). 5 submissions from 5 submitters: Pathogenic (4); Likely pathogenic (1). Last evaluated 2023-11-11.

Conditions:
Hereditary nonpolyposis colorectal neoplasms. Identifiers: MedGen C0009405, MeSH D003123.
Hereditary cancer-predisposing syndrome. Also called: Hereditary Cancer Syndrome; Neoplastic Syndromes, Hereditary; Hereditary neoplastic syndrome; Tumor predisposition. Identifiers: Orphanet 140162, MedGen C0027672, MeSH D009386, MONDO:0015356.
Lynch syndrome 5 (LYNCH5). Also called: Hereditary non-polyposis colorectal cancer, type 5; Colorectal cancer, hereditary nonpolyposis, type 5. Identifiers: Orphanet 144, MedGen C1833477, MONDO:0013710, OMIM 614350. Disease mechanism: loss of function.
Endometrial carcinoma. Also called: Endometrial carcinoma, somatic. Identifiers: MedGen C0476089, MONDO:0002447, OMIM 608089, HP:0012114.

Submissions (5):

Baylor Genetics
Classification: Likely pathogenic for Endometrial carcinoma. Last evaluated: 2023-11-11. Review status: criteria provided, single submitter. Criteria: ACMG Guidelines, 2015. Collection method: clinical testing. Allele origin: unknown.

Myriad Genetics, Inc.
Classification: Pathogenic for Lynch syndrome 5. Last evaluated: 2023-08-14. Review status: criteria provided, single submitter. Criteria: Myriad Autosomal Dominant, Autosomal Recessive and X-Linked Classification Criteria (2023). Collection method: clinical testing. Allele origin: unknown.
Comment: This variant is considered pathogenic. This variant creates a termination codon and is predicted to result in premature protein truncation.

Labcorp Genetics (formerly Invitae), Labcorp
Classification: Pathogenic for Hereditary nonpolyposis colorectal neoplasms. Last evaluated: 2022-08-29. Review status: criteria provided, single submitter. Criteria: Invitae Variant Classification Sherloc (09022015). Collection method: clinical testing. Allele origin: germline.
Comment: For these reasons, this variant has been classified as Pathogenic. ClinVar contains an entry for this variant (Variation ID: 428403). This variant has not been reported in the literature in individuals affected with MSH6-related conditions. This variant is not present in population databases (gnomAD no frequency). This sequence change creates a premature translational stop signal (p.Glu484*) in the MSH6 gene. It is expected to result in an absent or disrupted protein product. Loss-of-function variants in MSH6 are known to be pathogenic (PMID: 18269114, 24362816).

Color Diagnostics, LLC DBA Color Health
Classification: Pathogenic for Hereditary cancer-predisposing syndrome. Last evaluated: 2019-11-04. Review status: criteria provided, single submitter. Criteria: ACMG Guidelines, 2015. Collection method: clinical testing. Allele origin: germline.
Comment: This variant changes 1 nucleotide in exon 4 of the MSH6 gene, creating a premature translation stop signal. This variant is expected to result in an absent or non-functional protein product. Splice site prediction tools suggest that this variant may not impact RNA splicing. To our knowledge, functional studies have not been performed for this variant. This variant has not been reported in individuals affected with hereditary cancer in the literature. This variant has not been identified in the general population by the Genome Aggregation Database (gnomAD). Loss of MSH6 function is a known mechanism of disease. Based on the available evidence, this variant is classified as Pathogenic.

Ambry Genetics
Classification: Pathogenic for Hereditary cancer-predisposing syndrome. Last evaluated: 2017-04-07. Review status: criteria provided, single submitter. Criteria: Ambry Variant Classification Scheme 2023. Collection method: clinical testing. Allele origin: germline.
Comment: The p.E484* pathogenic mutation (also known as c.1450G>T), located in coding exon 4 of the MSH6 gene, results from a G to T substitution at nucleotide position 1450. This changes the amino acid from a glutamic acid to a stop codon within coding exon 4. This alteration is expected to result in loss of function by premature protein truncation or nonsense-mediated mRNA decay. As such, this alteration is interpreted as a disease-causing mutation.

Literature cited by the submitters: PubMed 18269114 (cited by Labcorp Genetics (formerly Invitae), Labcorp); PubMed 24362816 (cited by Labcorp Genetics (formerly Invitae), Labcorp).

NM_000179.3(MSH6):c.1450G>T (p.Glu484Ter)

Gene: MSH6 (mutS homolog 6; plus strand). Cytogenetic location: 2p16.3.
Variant type: single nucleotide variant.
Coding change: c.1450G>T on transcript NM_000179.3 (MANE Select); coding-DNA position 1450, G replaced by T.
Protein change: p.Glu484Ter; replaces glutamic acid 484 with a stop codon.
Molecular consequence: nonsense.
Genome position (GRCh38, 1-based): chr2:47,799,433, G>T. VCF-style: chr2-47799433-G-T. GRCh37 (hg19) VCF-style: chr2-48026572-G-T.
Other names: c.1060G>T, p.Glu354Ter (NM_001281492.2); c.544G>T, p.Glu182Ter (NM_001281493.2, NM_001281494.2); short protein forms E484*, E182*, E354*.
Identifiers: ClinVar variation 428403 (VCV000428403.17), dbSNP rs587782706, ClinGen allele CA346745692.